The following is an entry in ClinVar:

NM_004525.3(LRP2):c.2263A>G (p.Ile755Val)

Gene: LRP2 (LDL receptor related protein 2; minus strand). Cytogenetic location: 2q31.1.
Variant type: single nucleotide variant.
Coding change: c.2263A>G on transcript NM_004525.3 (MANE Select); coding-DNA position 2263, A replaced by G.
Protein change: p.Ile755Val; replaces isoleucine 755 with valine.
Molecular consequence: missense variant.
Genome position (GRCh38, 1-based): chr2:169,270,961, T>C on the plus strand (A>G on the coding strand, the complement: LRP2 is on the minus strand). VCF-style: chr2-169270961-T-C. GRCh37 (hg19) VCF-style: chr2-170127471-T-C.
Other names: short protein forms I755V.
Identifiers: ClinVar variation 1679713 (VCV001679713.1), dbSNP rs1574205586, ClinGen allele CA349161732.

ClinVar aggregate classification (germline): Uncertain significance (1 of 4 stars; one submission).

Conditions:
Donnai-Barrow syndrome. Also called: DBS/FOAR SYNDROME; FACIOOCULOACOUSTICORENAL SYNDROME. Identifiers: Orphanet 2143, MedGen C1857277, MONDO:0009104, OMIM 222448.

Allele frequency attached by ClinVar (database versions not stated): gnomAD exomes below 0.00001; TOPMed below 0.00001.
gnomAD v4.1: 3 of 1,613,218 alleles (0.00019%); highest among the groups gnomAD compares: Admixed American, 0.0017%; no homozygotes.

Submission:

New York Genome Center
Classification: Uncertain significance for Donnai-Barrow syndrome. Last evaluated: 2021-07-23. Review status: criteria provided, single submitter. Criteria: NYGC Assertion Criteria 2020. Collection method: clinical testing. Allele origin: inherited. Observed: 1 compound heterozygote. Study: CSER-NYCKidSeq.
Comment: The inherited heterozygous c.2263A>G (p.Ile755Val) missense variant identified in the LRP2 gene has not been reported in affected individuals in the literature. The variant is absent from the gnomAD(v3) database suggesting it is not a common benign variant in the populations represented in that database. The variant affects a moderately conserved residue. In silico tools provide conflicting predictions about potential pathogenicity of this variant (CADD score= 12.10, REVEL score = 0.291). Based on the available evidence, the inherited heterozygous c.2263A>G (p.Ile755Val) missense variant identified in the LRP2 gene is reported as a variant of uncertain significance.